The following is an entry in ClinVar:

NM_001085049.3(MRAS):c.107A>C (p.Lys36Thr)

Gene: MRAS (muscle RAS oncogene homolog; plus strand). Cytogenetic location: 3q22.3.
Variant type: single nucleotide variant.
Coding change: c.107A>C on transcript NM_001085049.3 (MANE Select); coding-DNA position 107, A replaced by C.
Protein change: p.Lys36Thr; replaces lysine 36 with threonine.
Molecular consequence: missense variant. On other transcripts: intron variant (3).
Genome position (GRCh38, 1-based): chr3:138,372,990, A>C. VCF-style: chr3-138372990-A-C. GRCh37 (hg19) VCF-style: chr3-138091832-A-C.
Other names: c.107A>C, p.Lys36Thr (NM_001252090.2, NM_012219.4); c.-35-24334A>C (NM_001252091.1); c.-36+24223A>C (NM_001252093.2); c.-36+23958A>C (NM_001252092.2); short protein forms K36T.
Identifiers: ClinVar variation 4781638 (VCV004781638.1).

ClinVar aggregate classification (germline): Uncertain significance (1 of 4 stars; one submission).

Submission:

Labcorp Genetics (formerly Invitae), Labcorp
Classification: Uncertain significance. Last evaluated: 2025-11-12. Review status: criteria provided, single submitter. Criteria: Invitae Variant Classification Sherloc (09022015). Collection method: clinical testing. Allele origin: germline.
Comment: This sequence change replaces lysine, which is basic and polar, with threonine, which is neutral and polar, at codon 36 of the MRAS protein (p.Lys36Thr). This variant is not present in population databases (gnomAD no frequency). This variant has not been reported in the literature in individuals affected with MRAS-related conditions. An algorithm developed to predict the effect of missense changes on protein structure and function (PolyPhen-2) suggests that this variant is likely to be disruptive. In summary, the available evidence is currently insufficient to determine the role of this variant in disease. Therefore, it has been classified as a Variant of Uncertain Significance.